The following is an entry in ClinVar:

NM_004446.3(EPRS1):c.1328A>G (p.Asn443Ser)

Gene: EPRS1 (glutamyl-prolyl-tRNA synthetase 1; minus strand). Cytogenetic location: 1q41.
Variant type: single nucleotide variant.
Coding change: c.1328A>G on transcript NM_004446.3 (MANE Select); coding-DNA position 1328, A replaced by G.
Protein change: p.Asn443Ser; replaces asparagine 443 with serine.
Molecular consequence: missense variant.
Genome position (GRCh38, 1-based): chr1:220,020,009, T>C on the plus strand (A>G on the coding strand, the complement: EPRS1 is on the minus strand). VCF-style: chr1-220020009-T-C. GRCh37 (hg19) VCF-style: chr1-220193351-T-C.
Other names: c.1328A>G (NM_004446.2); short protein forms N443S.
Identifiers: ClinVar variation 1680988 (VCV001680988.10), dbSNP rs368748957, ClinGen allele CA1400334.

ClinVar aggregate classification (germline): Conflicting classifications of pathogenicity. Review status: criteria provided, conflicting classifications (1 of 4 stars). 4 submissions from 4 submitters: Uncertain significance (3); Likely benign (1). Last evaluated 2026-06-01.

Conditions:
Inborn genetic diseases. Identifiers: MedGen C0950123, MeSH D030342.

Allele frequency attached by ClinVar (database versions not stated): gnomAD 0.00005; gnomAD exomes 0.00006 and 0.00007; ExAC 0.00007; TOPMed 0.00007; ESP Exome Variant Server 0.00015.
gnomAD v4.1: 93 of 1,612,756 alleles (0.0058%); highest among the groups gnomAD compares: Middle Eastern, 0.016%; no homozygotes.

Submissions (4):

CeGaT Center for Human Genetics Tuebingen
Classification: Likely benign. Last evaluated: 2026-06-01. Review status: criteria provided, single submitter. Criteria: CeGaT Center For Human Genetics Tuebingen Variant Classification Criteria Version 2. Collection method: clinical testing. Allele origin: germline. Affected: yes. Observed: 1 variant allele.
Comment: EPRS1: BP4

Ambry Genetics
Classification: Uncertain significance for Inborn genetic diseases. Last evaluated: 2024-10-03. Review status: criteria provided, single submitter. Criteria: Ambry Variant Classification Scheme 2023. Collection method: clinical testing. Allele origin: germline.

Labcorp Genetics (formerly Invitae), Labcorp
Classification: Uncertain significance. Last evaluated: 2022-08-16. Review status: criteria provided, single submitter. Criteria: Invitae Variant Classification Sherloc (09022015). Collection method: clinical testing. Allele origin: germline.
Comment: In summary, the available evidence is currently insufficient to determine the role of this variant in disease. Therefore, it has been classified as a Variant of Uncertain Significance. Algorithms developed to predict the effect of sequence changes on RNA splicing suggest that this variant may create or strengthen a splice site. Algorithms developed to predict the effect of missense changes on protein structure and function are either unavailable or do not agree on the potential impact of this missense change (SIFT: "Deleterious"; PolyPhen-2: "Benign"; Align-GVGD: "Class C0"). ClinVar contains an entry for this variant (Variation ID: 1680988). This variant has not been reported in the literature in individuals affected with EPRS-related conditions. This variant is present in population databases (rs368748957, gnomAD 0.01%). This sequence change replaces asparagine, which is neutral and polar, with serine, which is neutral and polar, at codon 443 of the EPRS protein (p.Asn443Ser).

GeneDx
Classification: Uncertain significance. Last evaluated: 2022-03-17. Review status: criteria provided, single submitter. Criteria: GeneDx Variant Classification Process June 2021. Collection method: clinical testing. Allele origin: germline. Affected: yes.
Comment: In silico analysis supports that this missense variant does not alter protein structure/function; Has not been previously published as pathogenic or benign to our knowledge; Variants in candidate genes are classified as variants of uncertain significance in accordance with ACMG guidelines (Richards et al., 2015)